The following is an entry in ClinVar:

NM_206933.4(USH2A):c.9258+8C>T

Gene: USH2A (usherin; minus strand). Cytogenetic location: 1q41.
Variant type: single nucleotide variant.
Coding change: c.9258+8C>T on transcript NM_206933.4 (MANE Select); 8 bases into the intron after coding-DNA position 9258, C replaced by T.
Molecular consequence: intron variant.
Genome position (GRCh38, 1-based): chr1:215,844,286, G>A on the plus strand (C>T on the coding strand, the complement: USH2A is on the minus strand). VCF-style: chr1-215844286-G-A. GRCh37 (hg19) VCF-style: chr1-216017628-G-A.
Other names: c.9258+8C>T (NM_206933.2).
Identifiers: ClinVar variation 1132038 (VCV001132038.10), dbSNP rs1440810218, ClinGen allele CA731375752.
Genomic context (GRCh38, chr1:215,844,286, plus strand): 5'-AAGACATAGCCTGGCATGTTTTATTTAACATATCCATAAGCCTAACCATCAAAAAACAAT[G>A]TTCTAACCTGAATGTCATAGATAGTGAAGGGAGACAGGTCTCTCAGAATAAACGACCCAG-3'

ClinVar aggregate classification (germline): Likely benign. Review status: criteria provided, multiple submitters, no conflicts (2 of 4 stars). 2 submissions from 2 submitters: Likely benign (2). Last evaluated 2025-07-28.

Conditions:
USH2A-related disorder. Also called: USH2A-related condition; USH2A-related disorders. Identifiers: MedGen CN239332.

Allele frequency attached by ClinVar (database versions not stated): gnomAD exomes below 0.00001; gnomAD 0.00001; TOPMed 0.00001.
gnomAD v4.1: 3 of 1,612,896 alleles (0.00019%); highest among the groups gnomAD compares: Admixed American, 0.0017%; no homozygotes.

Submissions (2):

PreventionGenetics, part of Exact Sciences
Classification: Likely benign for USH2A-related condition. Last evaluated: 2025-07-28. Review status: criteria provided, single submitter. Criteria: ACMG Guidelines, 2015. Collection method: clinical testing. Allele origin: germline.
Comment: This variant is classified as likely benign based on ACMG/AMP sequence variant interpretation guidelines (Richards et al. 2015 PMID: 25741868, with internal and published modifications).

Labcorp Genetics (formerly Invitae), Labcorp
Classification: Likely benign. Last evaluated: 2024-02-05. Review status: criteria provided, single submitter. Criteria: Invitae Variant Classification Sherloc (09022015). Collection method: clinical testing. Allele origin: germline.